The following is an entry in ClinVar:

NM_001003841.3(SLC6A19):c.461C>T (p.Pro154Leu)

Gene: SLC6A19 (solute carrier family 6 member 19; plus strand). Cytogenetic location: 5p15.33.
Variant type: single nucleotide variant.
Coding change: c.461C>T on transcript NM_001003841.3 (MANE Select); coding-DNA position 461, C replaced by T.
Protein change: p.Pro154Leu; replaces proline 154 with leucine.
Molecular consequence: missense variant.
Genome position (GRCh38, 1-based): chr5:1,210,561, C>T. VCF-style: chr5-1210561-C-T. GRCh37 (hg19) VCF-style: chr5-1210676-C-T.
Other names: short protein forms P154L.
Identifiers: ClinVar variation 5006819 (VCV005006819.2).
Genomic context (GRCh38, chr5:1,210,561, plus strand): 5'-CCTGGATCATGTGGTACTTATTCAACTCCTTCCAGGAGCCTCTGCCCTGGAGCGACTGCC[C>T]GCTCAACGAGAACCAGACAGGTGAGTCCTTGCAAGCAGCCCCATCCGTCTCACCTGTGAG-3'
Protein context (NP_001003841.1, residues 144-164): FQEPLPWSDC[Pro154Leu]LNENQTGYVD

ClinVar aggregate classification (germline): Uncertain significance (1 of 4 stars; one submission).

Conditions:
Neutral 1 amino acid transport defect (HND). Also called: HARTNUP DISORDER; Hartnup disease. Identifiers: Orphanet 2116, MedGen C0018609, MONDO:0009324, OMIM 234500.

gnomAD v4.1: 71 of 1,612,936 alleles (0.0044%); highest among the groups gnomAD compares: Non-Finnish European, 0.0052%; no homozygotes.

Submission:

Juno Genomics, Hangzhou Juno Genomics, Inc
Classification: Uncertain significance for Neutral 1 amino acid transport defect. Review status: criteria provided, single submitter. Criteria: ACMG Guidelines, 2015. Collection method: clinical testing. Allele origin: germline.
Comment: Absent from controls (or at extremely low frequency if recessive) in Genome Aggregation Database.;Multiple lines of computational evidence support a deleterious effect on the gene or gene product.;Patient's phenotype or family history is highly specific for a disease with a single genetic etiology.